The following is an entry in ClinVar:

ClinVar aggregate classification (germline): Conflicting classifications of pathogenicity. Review status: criteria provided, conflicting classifications (1 of 4 stars). 2 submissions from 2 submitters: Likely pathogenic (1); Uncertain significance (1). Last evaluated 2025-08-04.

Conditions:
Autosomal recessive nonsyndromic hearing loss 77. Identifiers: Orphanet 90636, MedGen C2746083, MONDO:0013119, OMIM 613079.

gnomAD v4.1: 14 of 1,551,626 alleles (0.0009%); highest among the groups gnomAD compares: Non-Finnish European, 0.0012%; no homozygotes.

Submissions (2):

Myriad Genetics, Inc.
Classification: Uncertain significance for Autosomal recessive nonsyndromic hearing loss 77. Last evaluated: 2025-08-04. Review status: criteria provided, single submitter. Criteria: Myriad Autosomal Dominant, Autosomal Recessive and X-Linked Classification Criteria (2023). Collection method: clinical testing. Allele origin: unknown.
Comment: NM_144612.6(LOXHD1):c.4531-2A>T is a variant in a canonical splice site classified as a variant of uncertain significance in the context of nonsyndromic hearing loss, LOXHD1-related. c.4531-2A>T has not been observed in cases with relevant disease. Relevant functional assessments of this variant are not available in the literature. c.4531-2A>T has not been observed in referenced population frequency databases. In summary, there is insufficient evidence to classify NM_144612.6(LOXHD1):c.4531-2A>T as pathogenic or benign. Please note: this variant was assessed in the context of healthy population screening.

Labcorp Genetics (formerly Invitae), Labcorp
Classification: Likely pathogenic. Last evaluated: 2022-05-17. Review status: criteria provided, single submitter. Criteria: Invitae Variant Classification Sherloc (09022015). Collection method: clinical testing. Allele origin: germline.
Comment: ClinVar contains an entry for this variant (Variation ID: 842625). This variant has not been reported in the literature in individuals affected with LOXHD1-related conditions. This variant is not present in population databases (gnomAD no frequency). This sequence change affects an acceptor splice site in intron 29 of the LOXHD1 gene. It is expected to disrupt RNA splicing. Variants that disrupt the donor or acceptor splice site typically lead to a loss of protein function (PMID: 16199547), and loss-of-function variants in LOXHD1 are known to be pathogenic (PMID: 19732867, 21465660, 25792669). In summary, the currently available evidence indicates that the variant is pathogenic, but additional data are needed to prove that conclusively. Therefore, this variant has been classified as Likely Pathogenic. Algorithms developed to predict the effect of sequence changes on RNA splicing suggest that this variant may disrupt the consensus splice site.

Literature cited by the submitters: PubMed 16199547 (cited by Labcorp Genetics (formerly Invitae), Labcorp); PubMed 19732867 (cited by Labcorp Genetics (formerly Invitae), Labcorp); PubMed 21465660 (cited by Labcorp Genetics (formerly Invitae), Labcorp); PubMed 25792669 (cited by Labcorp Genetics (formerly Invitae), Labcorp).

NM_001384474.1(LOXHD1):c.4531-2A>T

Gene: LOXHD1 (lipoxygenase homology PLAT domains 1; minus strand). Cytogenetic location: 18q21.1.
Variant type: single nucleotide variant.
Coding change: c.4531-2A>T on transcript NM_001384474.1 (MANE Select); the canonical splice acceptor site of the intron before coding-DNA position 4531, A replaced by T.
Molecular consequence: splice acceptor variant.
Genome position (GRCh38, 1-based): chr18:46,524,919, T>A on the plus strand (A>T on the coding strand, the complement: LOXHD1 is on the minus strand). VCF-style: chr18-46524919-T-A. GRCh37 (hg19) VCF-style: chr18-44104882-T-A.
Other names: c.1198-2A>T (NM_001145472.3); c.910-2A>T (NM_001308013.2); c.4531-2A>T (NM_144612.7).
Identifiers: ClinVar variation 842625 (VCV000842625.11), dbSNP rs951333133, ClinGen allele CA402373591.